The following is an entry in ClinVar:

ClinVar aggregate classification (germline): Likely benign (1 of 4 stars; one submission).

gnomAD v4.1: 8 of 1,614,162 alleles (0.0005%); highest among the groups gnomAD compares: Non-Finnish European, 0.00042%; no homozygotes.

Submission:

CeGaT Center for Human Genetics Tuebingen
Classification: Likely benign. Last evaluated: 2025-11-01. Review status: criteria provided, single submitter. Criteria: CeGaT Center For Human Genetics Tuebingen Variant Classification Criteria Version 2. Collection method: clinical testing. Allele origin: germline. Affected: yes. Observed: 1 variant allele.
Comment: SRCAP: BP4, BP7

NM_006662.3(SRCAP):c.834T>G (p.Pro278=)

Gene: SRCAP (Snf2 related CREBBP activator protein; plus strand). Cytogenetic location: 16p11.2.
Variant type: single nucleotide variant.
Coding change: c.834T>G on transcript NM_006662.3 (MANE Select); coding-DNA position 834, T replaced by G.
Protein change: p.Pro278=; no amino-acid change (proline 278 retained).
Molecular consequence: synonymous variant.
Genome position (GRCh38, 1-based): chr16:30,709,713, T>G. VCF-style: chr16-30709713-T-G. GRCh37 (hg19) VCF-style: chr16-30721034-T-G.
Identifiers: ClinVar variation 4533662 (VCV004533662.6).
Genomic context (GRCh38, chr16:30,709,713, plus strand): 5'-CAAAGCAGGCTCTTCCCCTTGCCTCGGCTCTTCCTCAGCTGCCTCCAGTCCTCCACCCCC[T>G]GCTTCTCGCCTGGATGATGAAGGTGTGTGTTCTCTTTGGTCCTGTTACTCTTCCTCATGT-3'
Protein context (NP_006653.2, residues 268-288): SSSAASSPPP[Pro278=]ASRLDDEDGD